The following is an entry in ClinVar:

ClinVar aggregate classification (germline): Uncertain significance. Review status: criteria provided, multiple submitters, no conflicts (2 of 4 stars). 2 submissions from 2 submitters: Uncertain significance (2). Last evaluated 2025-02-03.

Conditions:
Familial isolated arrhythmogenic right ventricular dysplasia. Identifiers: Orphanet 217656, MedGen C4274968, MONDO:0016342.
Cardiovascular phenotype. Identifiers: MedGen CN230736.

Allele frequency attached by ClinVar (database versions not stated): gnomAD exomes below 0.00001; gnomAD 0.00001.

Submissions (2):

Ambry Genetics
Classification: Uncertain significance for Cardiovascular phenotype. Last evaluated: 2025-02-03. Review status: criteria provided, single submitter. Criteria: Ambry Variant Classification Scheme 2023. Collection method: clinical testing. Allele origin: germline.
Comment: The c.2548_2549insT variant, located in coding exon 16 of the DSC2 gene, results from an insertion of one nucleotide at position 2548, causing a translational frameshift with a predicted alternate stop codon (p.A850Vfs*9). This alteration occurs at the 3' terminus of theDSC2 gene, is not expected to trigger nonsense-mediated mRNAdecay, and only impacts the last 5% of the protein. The exact functional effect of this alteration is unknown. Based on the available evidence, the clinical significance of this variant remains unclear.

All of Us Research Program, National Institutes of Health
Classification: Uncertain significance for Familial isolated arrhythmogenic right ventricular dysplasia. Last evaluated: 2024-08-13. Review status: criteria provided, single submitter. Criteria: ACMG Guidelines, 2015. Collection method: clinical testing. Allele origin: germline. Inheritance: Autosomal dominant inheritance. Observed: 4 variant alleles, 4 heterozygotes.
Comment: This variant inserts 1 nucleotide in exon 16 of the DSC2 gene, creating a frameshift and premature translation stop signal in the last exon. This mutant transcript is predicted to escape nonsense-mediated decay and be expressed as a truncated protein. To our knowledge, this variant has not been reported in individuals affected with cardiovascular disorders in the literature. This variant has not been identified in the general population by the Genome Aggregation Database (gnomAD). The available evidence is insufficient to determine the role of this variant in disease conclusively. Therefore, this variant is classified as a Variant of Uncertain Significance.

This study involves interpretation of variants in research participants for the purpose of population health screening. Participant phenotype was not available at the time of variant classification. Additional details can be found in publication PMID: 35346344, PMCID: PMC8962531

NM_024422.6(DSC2):c.2548_2549insT (p.Ala850fs)

Gene: DSC2 (desmocollin 2; minus strand). Cytogenetic location: 18q12.1.
Variant type: Insertion.
Coding change: c.2548_2549insT on transcript NM_024422.6 (MANE Select); coding-DNA positions 2548 to 2549, T inserted.
Protein change: p.Ala850fs; shifts the reading frame from alanine 850.
Molecular consequence: frameshift variant. On other transcripts: 3 prime UTR variant (2).
Genome position: GRCh38 VCF-style: chr18-31068172-G-GA. GRCh37 (hg19) VCF-style: chr18-28648138-G-GA.
Other names: c.2119_2120insT, p.Ala707fs (NM_001406506.1); c.*50_*51insT (NM_001406507.1, NM_004949.5); c.2548_2549insT (NM_024422.3); short protein forms A707fs, A850fs.
Identifiers: ClinVar variation 3073633 (VCV003073633.3), dbSNP rs1337061240, ClinGen allele CA629453054.
Genomic context (GRCh38, chr18:31,068,172, plus strand): 5'-CCTACAGACCCAGCCACCGATCCTCTTCCTTCATAGTTATATGTCAGGACATAGTCTTGG[G>GA]CATGCTTGTGATTTTCATCTTGATTACACAGATACACTTTCTGCCAAGGGGAAAAACACA-3'